The following is an entry in ClinVar:

ClinVar aggregate classification (germline): Uncertain significance (1 of 4 stars; one submission).

Conditions:
Benign neonatal seizures. Also called: Benign familial neonatal seizures; Benign neonatal familial convulsions; Convulsions benign familial neonatal dominant form; Autosomal dominant form of benign neonatal seizures; Benign familial neonatal epilepsy. Identifiers: Orphanet 1949, MedGen C0220669, MONDO:0016027.

Submission:

Labcorp Genetics (formerly Invitae), Labcorp
Classification: Uncertain significance for Benign neonatal seizures. Last evaluated: 2023-08-10. Review status: criteria provided, single submitter. Criteria: Invitae Variant Classification Sherloc (09022015). Collection method: clinical testing. Allele origin: germline.
Comment: In summary, the available evidence is currently insufficient to determine the role of this variant in disease. Therefore, it has been classified as a Variant of Uncertain Significance. An algorithm developed to predict the effect of missense changes on protein structure and function (PolyPhen-2) suggests that this variant is likely to be disruptive. ClinVar contains an entry for this variant (Variation ID: 2161307). This variant has not been reported in the literature in individuals affected with KCNQ3-related conditions. This variant is present in population databases (no rsID available, gnomAD 0.004%). This sequence change replaces alanine, which is neutral and non-polar, with asparagine, which is neutral and polar, at codon 61 of the KCNQ3 protein (p.Ala61Asn).

NM_004519.4(KCNQ3):c.181_182delinsAA (p.Ala61Asn)

Gene: KCNQ3 (potassium voltage-gated channel subfamily Q member 3; minus strand). Cytogenetic location: 8q24.22.
Variant type: Indel.
Coding change: c.181_182delinsAA on transcript NM_004519.4 (MANE Select); coding-DNA positions 181 to 182, GC replaced by AA.
Protein change: p.Ala61Asn; replaces alanine 61 with asparagine.
Molecular consequence: missense variant.
Genome position (GRCh38, 1-based): chr8:132,480,351-132,480,352, GC replaced by TT on the plus strand (GC replaced by AA on the coding strand, the reverse complement: KCNQ3 is on the minus strand). VCF-style: chr8-132480351-GC-TT. GRCh37 (hg19) VCF-style: chr8-133492598-GC-TT.
Other names: short protein forms A61N.
Identifiers: ClinVar variation 2161307 (VCV002161307.4), dbSNP rs2537398419, ClinGen allele CA2580078588.